The following is an entry in ClinVar:

NM_001079802.2(FKTN):c.976G>T (p.Asp326Tyr)

Gene: FKTN (fukutin; plus strand). Cytogenetic location: 9q31.2.
Variant type: single nucleotide variant.
Coding change: c.976G>T on transcript NM_001079802.2 (MANE Select); coding-DNA position 976, G replaced by T.
Protein change: p.Asp326Tyr; replaces aspartic acid 326 with tyrosine.
Molecular consequence: missense variant. On other transcripts: non-coding transcript variant (1).
Genome position (GRCh38, 1-based): chr9:105,618,024, G>T. VCF-style: chr9-105618024-G-T. GRCh37 (hg19) VCF-style: chr9-108380305-G-T.
Other names: c.976G>T, p.Asp326Tyr (NM_001198963.2, NM_001351496.2, NM_001351498.2 and 1 more transcripts); c.907G>T, p.Asp303Tyr (NM_001351497.2); c.580G>T, p.Asp194Tyr (NM_001351499.2, NM_001351500.2, NM_001351501.2 and 1 more transcripts); short protein forms D194Y, D303Y, D326Y.
Identifiers: ClinVar variation 2007660 (VCV002007660.4), dbSNP rs2133162066, ClinGen allele CA374377525.

ClinVar aggregate classification (germline): Uncertain significance (1 of 4 stars; one submission).

Conditions:
Walker-Warburg congenital muscular dystrophy. Also called: Muscular dystrophy-dystroglycanopathy, type A; Walker-Warburg syndrome. Identifiers: Orphanet 899, MedGen C0265221, MONDO:0000171.

Submission:

Labcorp Genetics (formerly Invitae), Labcorp
Classification: Uncertain significance for Walker-Warburg congenital muscular dystrophy. Last evaluated: 2021-12-13. Review status: criteria provided, single submitter. Criteria: Invitae Variant Classification Sherloc (09022015). Collection method: clinical testing. Allele origin: germline.
Comment: In summary, the available evidence is currently insufficient to determine the role of this variant in disease. Therefore, it has been classified as a Variant of Uncertain Significance. Algorithms developed to predict the effect of missense changes on protein structure and function (SIFT, PolyPhen-2, Align-GVGD) all suggest that this variant is likely to be disruptive. This variant has not been reported in the literature in individuals affected with FKTN-related conditions. This variant is not present in population databases (gnomAD no frequency). This sequence change replaces aspartic acid, which is acidic and polar, with tyrosine, which is neutral and polar, at codon 326 of the FKTN protein (p.Asp326Tyr).